The following is an entry in ClinVar:

NM_032447.5(FBN3):c.6539G>A (p.Arg2180His)

Gene: FBN3 (fibrillin 3; minus strand). Cytogenetic location: 19p13.2.
Variant type: single nucleotide variant.
Coding change: c.6539G>A on transcript NM_032447.5 (MANE Select); coding-DNA position 6539, G replaced by A.
Protein change: p.Arg2180His; replaces arginine 2180 with histidine.
Molecular consequence: missense variant.
Genome position (GRCh38, 1-based): chr19:8,087,905, C>T on the plus strand (G>A on the coding strand, the complement: FBN3 is on the minus strand). VCF-style: chr19-8087905-C-T. GRCh37 (hg19) VCF-style: chr19-8152789-C-T.
Other names: c.6539G>A, p.Arg2180His (NM_001321431.2); short protein forms R2180H.
Identifiers: ClinVar variation 4708546 (VCV004708546.1).

ClinVar aggregate classification (germline): Uncertain significance (1 of 4 stars; one submission).

gnomAD v4.1: 19 of 1,613,956 alleles (0.0012%); highest among the groups gnomAD compares: African/African-American, 0.0027%; no homozygotes.

Submission:

Labcorp Genetics (formerly Invitae), Labcorp
Classification: Uncertain significance. Last evaluated: 2025-11-18. Review status: criteria provided, single submitter. Criteria: Invitae Variant Classification Sherloc (09022015). Collection method: clinical testing. Allele origin: germline.
Comment: This sequence change replaces arginine, which is basic and polar, with histidine, which is basic and polar, at codon 2180 of the FBN3 protein (p.Arg2180His). This variant is present in population databases (rs745383905, gnomAD 0.003%). This variant has not been reported in the literature in individuals affected with FBN3-related conditions. Invitae Evidence Modeling of protein sequence and biophysical properties (such as structural, functional, and spatial information, amino acid conservation, physicochemical variation, residue mobility, and thermodynamic stability) indicates that this missense variant is expected to disrupt FBN3 protein function with a positive predictive value of 80%. In summary, the available evidence is currently insufficient to determine the role of this variant in disease. Therefore, it has been classified as a Variant of Uncertain Significance.